The following is an entry in ClinVar:

NM_017763.6(RNF43):c.2290G>A (p.Val764Met)

Gene: RNF43 (ring finger protein 43; minus strand). Cytogenetic location: 17q22.
Variant type: single nucleotide variant.
Coding change: c.2290G>A on transcript NM_017763.6 (MANE Select); coding-DNA position 2290, G replaced by A.
Protein change: p.Val764Met; replaces valine 764 with methionine.
Molecular consequence: missense variant.
Genome position (GRCh38, 1-based): chr17:58,357,486, C>T on the plus strand (G>A on the coding strand, the complement: RNF43 is on the minus strand). VCF-style: chr17-58357486-C-T. GRCh37 (hg19) VCF-style: chr17-56434847-C-T.
Other names: c.2290G>A, p.Val764Met (NM_001305544.3); c.1909G>A, p.Val637Met (NM_001305545.2); short protein forms V637M, V764M.
Identifiers: ClinVar variation 3434535 (VCV003434535.1).

ClinVar aggregate classification (germline): Uncertain significance (1 of 4 stars; one submission).

Submission:

Ambry Genetics
Classification: Uncertain significance. Last evaluated: 2024-12-02. Review status: criteria provided, single submitter. Criteria: Ambry Variant Classification Scheme 2023. Collection method: clinical testing. Allele origin: germline.
Comment: The p.V764M variant (also known as c.2290G>A), located in coding exon 8 of the RNF43 gene, results from a G to A substitution at nucleotide position 2290. The valine at codon 764 is replaced by methionine, an amino acid with highly similar properties. This amino acid position is conserved. In addition, this alteration is predicted to be tolerated by in silico analysis. Based on the available evidence, the clinical significance of this variant remains unclear.